The following is an entry in ClinVar:

NM_001242896.3(DEPDC5):c.1055T>C (p.Leu352Pro)

Gene: DEPDC5 (DEP domain containing 5, GATOR1 subcomplex subunit; plus strand). Cytogenetic location: 22q12.3.
Variant type: single nucleotide variant.
Coding change: c.1055T>C on transcript NM_001242896.3 (MANE Select); coding-DNA position 1055, T replaced by C.
Protein change: p.Leu352Pro; replaces leucine 352 with proline.
Molecular consequence: missense variant. On other transcripts: non-coding transcript variant (5).
Genome position (GRCh38, 1-based): chr22:31,802,812, T>C. VCF-style: chr22-31802812-T-C. GRCh37 (hg19) VCF-style: chr22-32198798-T-C.
Other names: c.1055T>C, p.Leu352Pro (NM_001007188.4, NM_001136029.4, NM_001242897.2 and 7 more transcripts); c.971T>C, p.Leu324Pro (NM_001369901.1, NM_001369902.1); short protein forms L324P, L352P.
Identifiers: ClinVar variation 3013866 (VCV003013866.3), dbSNP rs2518878948, ClinGen allele CA411292957.

ClinVar aggregate classification (germline): Uncertain significance (1 of 4 stars; one submission).

Conditions:
Familial focal epilepsy with variable foci (FPEVF). Identifiers: Orphanet 98820, MedGen C1858477, MONDO:0020310.

Submission:

Labcorp Genetics (formerly Invitae), Labcorp
Classification: Uncertain significance for Familial focal epilepsy with variable foci. Last evaluated: 2023-07-09. Review status: criteria provided, single submitter. Criteria: Invitae Variant Classification Sherloc (09022015). Collection method: clinical testing. Allele origin: germline.
Comment: In summary, the available evidence is currently insufficient to determine the role of this variant in disease. Therefore, it has been classified as a Variant of Uncertain Significance. Experimental studies and prediction algorithms are not available or were not evaluated, and the functional significance of this variant is currently unknown. This sequence change replaces leucine, which is neutral and non-polar, with proline, which is neutral and non-polar, at codon 352 of the DEPDC5 protein (p.Leu352Pro). This variant is not present in population databases (gnomAD no frequency). This variant has not been reported in the literature in individuals affected with DEPDC5-related conditions.